The following is an entry in ClinVar:

NM_001848.3(COL6A1):c.1100T>C (p.Phe367Ser)

Gene: COL6A1 (collagen type VI alpha 1 chain; plus strand). Cytogenetic location: 21q22.3.
Variant type: single nucleotide variant.
Coding change: c.1100T>C on transcript NM_001848.3 (MANE Select); coding-DNA position 1100, T replaced by C.
Protein change: p.Phe367Ser; replaces phenylalanine 367 with serine.
Molecular consequence: missense variant.
Genome position (GRCh38, 1-based): chr21:45,991,022, T>C. VCF-style: chr21-45991022-T-C. GRCh37 (hg19) VCF-style: chr21-47410936-T-C.
Other names: short protein forms F367S.
Identifiers: ClinVar variation 2539758 (VCV002539758.6), dbSNP rs1382099123, ClinGen allele CA410523674.

ClinVar aggregate classification (germline): Uncertain significance. Review status: criteria provided, multiple submitters, no conflicts (2 of 4 stars). 2 submissions from 2 submitters: Uncertain significance (2). Last evaluated 2026-04-15.

Conditions:
Bethlem myopathy 1A. Also called: MYOPATHY, BENIGN CONGENITAL, WITH CONTRACTURES; Bethlem Muscular Dystrophy; Bethlem myopathy 1. Identifiers: Orphanet 610, MedGen CN029274, MONDO:0024530, OMIM 158810.
Inborn genetic diseases. Identifiers: MedGen C0950123, MeSH D030342.

Allele frequency attached by ClinVar (database versions not stated): gnomAD 0.00001; TOPMed below 0.00001.
gnomAD v4.1: 1 of 1,613,146 alleles (0.000062%); highest among the groups gnomAD compares: Non-Finnish European, 0.000085%; no homozygotes.

Submissions (2):

Ambry Genetics
Classification: Uncertain significance for Inborn genetic diseases. Last evaluated: 2026-04-15. Review status: criteria provided, single submitter. Criteria: Ambry Variant Classification Scheme 2023. Collection method: clinical testing. Allele origin: germline.
Comment: The c.1100T>C (p.F367S) alteration is located in exon 15 (coding exon 15) of the COL6A1 gene. This alteration results from a T to C substitution at nucleotide position 1100, causing the phenylalanine (F) at amino acid position 367 to be replaced by a serine (S). Based on data from gnomAD, the C allele has an overall frequency of 0.003% (1/31344) total alleles studied. The highest observed frequency was 0.007% (1/15398) of European (non-Finnish) alleles. Based on insufficient or conflicting evidence, the clinical significance of this alteration remains unclear.

Labcorp Genetics (formerly Invitae), Labcorp
Classification: Uncertain significance for Bethlem myopathy 1A. Last evaluated: 2025-03-26. Review status: criteria provided, single submitter. Criteria: Invitae Variant Classification Sherloc (09022015). Collection method: clinical testing. Allele origin: germline.
Comment: This sequence change replaces phenylalanine, which is neutral and non-polar, with serine, which is neutral and polar, at codon 367 of the COL6A1 protein (p.Phe367Ser). This variant is present in population databases (no rsID available, gnomAD 0.007%). This variant has not been reported in the literature in individuals affected with COL6A1-related conditions. ClinVar contains an entry for this variant (Variation ID: 2539758). Invitae Evidence Modeling of protein sequence and biophysical properties (such as structural, functional, and spatial information, amino acid conservation, physicochemical variation, residue mobility, and thermodynamic stability) indicates that this missense variant is expected to disrupt COL6A1 protein function with a positive predictive value of 80%. In summary, the available evidence is currently insufficient to determine the role of this variant in disease. Therefore, it has been classified as a Variant of Uncertain Significance.